The following is an entry in ClinVar:

NM_000256.3(MYBPC3):c.2833_2834del (p.Arg945fs)

Gene: MYBPC3 (myosin binding protein C3; minus strand). Cytogenetic location: 11p11.2.
Variant type: Deletion.
Coding change: c.2833_2834del on transcript NM_000256.3 (MANE Select); coding-DNA positions 2833 to 2834, 2 bases deleted (CG; older notation c.2833_2834delCG).
Protein change: p.Arg945fs; shifts the reading frame from arginine 945.
Molecular consequence: frameshift variant.
Genome position (GRCh38, 1-based): chr11:47,335,113-47,335,114, CG deleted on the plus strand (CG on the coding strand, the reverse complement: MYBPC3 is on the minus strand); deleting any 2 consecutive bases within chr11:47,335,113-47,335,115 gives the same sequence; the c. name uses the placement nearest the transcript's 3' end. VCF-style (leftmost placement, unchanged base first): chr11-47335112-CCG-C. GRCh37 (hg19) VCF-style: chr11-47356663-CCG-C.
Other names: c.2833_2834del, p.Arg945fs (LRG_386t1); c.2833_2834delCG (NM_000256.3); short protein forms R945fs.
Identifiers: ClinVar variation 42660 (VCV000042660.25), dbSNP rs397515987, ClinGen allele CA013018.

ClinVar aggregate classification (germline): Pathogenic/Likely pathogenic. Review status: criteria provided, multiple submitters, no conflicts (2 of 4 stars). 6 submissions from 6 submitters: Pathogenic (4); Likely pathogenic (1). 1 of the submissions does not count toward it. Last evaluated 2026-02-01.

Conditions:
Hypertrophic cardiomyopathy 4. Also called: Familial hypertrophic cardiomyopathy 4. Identifiers: MedGen C1861862, MONDO:0007268, OMIM 115197.
Hypertrophic cardiomyopathy. Also called: HYPERTROPHIC MYOCARDIOPATHY. Identifiers: Orphanet 217569, MedGen C0007194, MeSH D002312, MONDO:0005045, HP:0001639.

Submissions (6):

Labcorp Genetics (formerly Invitae), Labcorp
Classification: Pathogenic for Hypertrophic cardiomyopathy. Last evaluated: 2026-02-01. Review status: criteria provided, single submitter. Criteria: Invitae Variant Classification Sherloc (09022015). Collection method: clinical testing. Allele origin: germline.
Comment: This sequence change creates a premature translational stop signal (p.Arg945Glyfs*105) in the MYBPC3 gene. It is expected to result in an absent or disrupted protein product. Loss-of-function variants in MYBPC3 are known to be pathogenic (PMID: 19574547). This variant is present in population databases (rs397515987, gnomAD 0.006%). This premature translational stop signal has been observed in individuals with hypertrophic cardiomyopathy (PMID: 11835941, 20605413, 27532257). It has also been observed to segregate with disease in related individuals. This variant is also known as Del CG945. ClinVar contains an entry for this variant (Variation ID: 42660). Algorithms developed to predict the effect of sequence changes on RNA splicing suggest that this variant may disrupt the consensus splice site. For these reasons, this variant has been classified as Pathogenic.

3billion
Classification: Pathogenic for Hypertrophic cardiomyopathy 4. Last evaluated: 2025-12-11. Review status: criteria provided, single submitter. Criteria: ACMG Guidelines, 2015. Collection method: clinical testing. Allele origin: germline. Affected: yes.
Comment: The variant is observed at an extremely low frequency in the gnomAD v4.1.0 dataset (total allele frequency: <0.001%). Predicted Consequence/Location: Frameshift: predicted to result in a loss or disruption of normal protein function through nonsense-mediated decay (NMD) or protein truncation. Multiple pathogenic variants are reported downstream of the variant. The variant has been observed in multiple (>3) similarly affected unrelated individuals (PMID: 11835941, 20605413, 27532257, 275322573). The variant has been reported at least twice as pathogenic with clinical assertions and evidence for the classification (ClinVar ID: VCV000042660 /PMID: 11835941 /3billion dataset). Therefore, this variant is classified as Pathogenic according to the recommendation of ACMG/AMP guideline.

GeneDx
Classification: Pathogenic. Last evaluated: 2018-07-23. Review status: criteria provided, single submitter. Criteria: GeneDx Variant Classification (06012015). Collection method: clinical testing. Allele origin: germline. Affected: yes.
Comment: The c.2833_2834delCG variant in the MYBPC3 gene has been reported multiple times in association with familial cardiomyopathy (Anan et al., 2002; Hitomi et al., 2010). The c.2833_2834delCG variant was also found in this patient's father, brother, and cousin, all of whom were clinically diagnosed with HCM (Anan et al., 2002). Hitomi et al. (2010) identified c.2833_2834delCG in 4 out of 176 patients with HCM and in 1 out of 54 patients with DCM. One individual with HCM and the c.2833_2834delCG pathogenic variant had an affected sibling who also harbored this variant (Hitomi et al., 2010).This pathogenic variant causes a shift in reading frame starting at codon Arginine 945, changing it to a Glycine, and creating a premature stop codon at position 105 of the new reading frame, denoted p.Arg945GlyfsX105. This variant is expected to result in either an abnormal, truncated protein product or loss of protein from this allele through nonsense-mediated mRNA decay. Other frameshift variants in the MYBPC3 gene have been reported in HGMD in association with cardiomyopathy (Stenson et al., 2014). Furthermore, the c.2833_2834delCG variant was not observed at a significant frequency in large population cohorts (Lek et al., 2016), indicating it is not a common benign variant. In summary c.2833_2834delCG in the MYBPC3 gene is interpreted as a pathogenic variant.

Eurofins Ntd Llc (ga)
Classification: Pathogenic. Last evaluated: 2017-03-18. Review status: criteria provided, single submitter. Criteria: EGL Classification Definitions 2015. Collection method: clinical testing. Allele origin: germline.

Stanford Center for Inherited Cardiovascular Disease, Stanford University
Classification: Likely pathogenic. Last evaluated: 2012-01-24. Review status: criteria provided, single submitter. Criteria: ACMG Guidelines, 2015. Collection method: provider interpretation. Allele origin: germline.

Laboratory for Molecular Medicine, Mass General Brigham Personalized Medicine
Classification: Pathogenic for Hypertrophic cardiomyopathy. Last evaluated: 2007-04-16. Review status: no assertion criteria provided. Collection method: clinical testing. Allele origin: germline. Observed: 1 variant allele. Not counted in ClinVar's aggregate classification.

Literature cited by the submitters: PubMed 19574547 (cited by Labcorp Genetics (formerly Invitae), Labcorp); PubMed 11835941 (cited by 3 submitters); PubMed 20605413 (cited by Labcorp Genetics (formerly Invitae), Labcorp and 3billion); PubMed 27532257 (cited by Labcorp Genetics (formerly Invitae), Labcorp and 3billion); PubMed 24621997 (cited by Eurofins Ntd Llc (ga)); PubMed 9241277 (cited by Laboratory for Molecular Medicine, Mass General Brigham Personalized Medicine).